The following is an entry in ClinVar:

ClinVar aggregate classification (germline): Conflicting classifications of pathogenicity. Review status: criteria provided, conflicting classifications (1 of 4 stars). 4 submissions from 4 submitters: Uncertain significance (3); Likely benign (1). Last evaluated 2025-12-16.

Conditions:
Hereditary cancer-predisposing syndrome. Also called: Neoplastic Syndromes, Hereditary; Tumor predisposition; Hereditary Cancer Syndrome; Hereditary neoplastic syndrome. Identifiers: Orphanet 140162, MedGen C0027672, MeSH D009386, MONDO:0015356.
Hereditary nonpolyposis colorectal neoplasms. Identifiers: MedGen C0009405, MeSH D003123.

gnomAD v4.1: 4 of 1,614,026 alleles (0.00025%); highest among the groups gnomAD compares: South Asian, 0.0022%; no homozygotes.

Submissions (4):

Labcorp Genetics (formerly Invitae), Labcorp
Classification: Likely benign for Hereditary nonpolyposis colorectal neoplasms. Last evaluated: 2025-12-16. Review status: criteria provided, single submitter. Criteria: Invitae Variant Classification Sherloc (09022015). Collection method: clinical testing. Allele origin: germline.

Women's Health and Genetics/Laboratory Corporation of America, LabCorp
Classification: Uncertain significance. Last evaluated: 2025-11-10. Review status: criteria provided, single submitter. Criteria: LabCorp Variant Classification Summary - May 2015. Collection method: clinical testing. Allele origin: germline.
Comment: Variant summary: MSH6 c.892C>G (p.Arg298Gly) results in a non-conservative amino acid change in the encoded protein sequence. Algorithms developed to predict the effect of missense changes on protein structure and function are either unavailable or do not agree on the potential impact of this missense change. The variant allele was found at a frequency of 4e-06 in 251272 control chromosomes. The available data on variant occurrences in the general population are insufficient to allow any conclusion about variant significance. c.892C>G has been observed in an individual with personal and/or familial history for breast and other cancers (Nunziato_2022). These report(s) do not provide unequivocal conclusions about association of the variant with Lynch Syndrome. To our knowledge, no experimental evidence demonstrating an impact on protein function has been reported. The following publication have been ascertained in the context of this evaluation (PMID: 36035419). ClinVar contains an entry for this variant (Variation ID: 483829). Based on the evidence outlined above, the variant was classified as uncertain significance.

Ambry Genetics
Classification: Uncertain significance for Hereditary cancer-predisposing syndrome. Last evaluated: 2025-01-05. Review status: criteria provided, single submitter. Criteria: Ambry Variant Classification Scheme 2023. Collection method: clinical testing. Allele origin: germline.
Comment: The p.R298G variant (also known as c.892C>G), located in coding exon 4 of the MSH6 gene, results from a C to G substitution at nucleotide position 892. The arginine at codon 298 is replaced by glycine, an amino acid with dissimilar properties. This amino acid position is poorly conserved in available vertebrate species. In addition, this alteration is predicted to be tolerated by in silico analysis. Since supporting evidence is limited at this time, the clinical significance of this alteration remains unclear.

GeneDx
Classification: Uncertain significance. Last evaluated: 2019-11-04. Review status: criteria provided, single submitter. Criteria: GeneDx Variant Classification Process June 2021. Collection method: clinical testing. Allele origin: germline. Affected: yes.
Comment: Not observed at a significant frequency in large population cohorts (Lek 2016); In silico analysis, which includes protein predictors and evolutionary conservation, supports that this variant does not alter protein structure/function; Has not been previously published as pathogenic or benign to our knowledge

Literature cited by the submitters: PubMed 36035419 (cited by Women's Health and Genetics/Laboratory Corporation of America, LabCorp).

NM_000179.3(MSH6):c.892C>G (p.Arg298Gly)

Gene: MSH6 (mutS homolog 6; plus strand). Cytogenetic location: 2p16.3.
Variant type: single nucleotide variant.
Coding change: c.892C>G on transcript NM_000179.3 (MANE Select); coding-DNA position 892, C replaced by G.
Protein change: p.Arg298Gly; replaces arginine 298 with glycine.
Molecular consequence: missense variant. On other transcripts: 5 prime UTR variant (2).
Genome position (GRCh38, 1-based): chr2:47,798,875, C>G. VCF-style: chr2-47798875-C-G. GRCh37 (hg19) VCF-style: chr2-48026014-C-G.
Other names: c.502C>G, p.Arg168Gly (NM_001281492.2); c.-15C>G (NM_001281493.2, NM_001281494.2); short protein forms R298G, R168G.
Identifiers: ClinVar variation 483829 (VCV000483829.17), dbSNP rs146816935, ClinGen allele CA346740688.